The following is an entry in ClinVar:

NM_032888.4(COL27A1):c.2521G>A (p.Gly841Arg)

Gene: COL27A1 (collagen type XXVII alpha 1 chain; plus strand). Cytogenetic location: 9q32.
Variant type: single nucleotide variant.
Coding change: c.2521G>A on transcript NM_032888.4 (MANE Select); coding-DNA position 2521, G replaced by A.
Protein change: p.Gly841Arg; replaces glycine 841 with arginine.
Molecular consequence: missense variant.
Genome position (GRCh38, 1-based): chr9:114,231,822, G>A. VCF-style: chr9-114231822-G-A. GRCh37 (hg19) VCF-style: chr9-116994102-G-A.
Other names: KIAA1870; short protein forms G841R.
Identifiers: ClinVar variation 692220 (VCV000692220.5), dbSNP rs1831978153, ClinGen allele CA374587786.

ClinVar aggregate classification (germline): Uncertain significance (1 of 4 stars; one submission).

Conditions:
Steel syndrome (STLS). Identifiers: Orphanet 438117, MedGen C3554594, MONDO:0014061, OMIM 615155.

Submission:

Kasturba Medical College, Manipal, Kasturba Medical College, Manipal, Manipal Academy of Higher Education, Manipal, India
Classification: Uncertain significance for Steel syndrome. Last evaluated: 2019-09-27. Review status: criteria provided, single submitter. Criteria: ACMG Guidelines, 2015. Collection method: clinical testing. Allele origin: inherited. Affected: yes. Observed: 1 variant allele.
Comment: This variant is not observed in population databases like 1000 Genomes Project, gnomAD and our in-house data of 666 exomes. Multiple in silico analysis tools (Mutation Taster, SIFT, M-CAP and FATHMM) predict the effect of this variant to be damaging to COL27A1 protein function. Thus, the above mentioned variant in homozygous state suggests a possible diagnosis of Steel syndrome

Literature cited by the submitters: PubMed 28276056.